The following is an entry in ClinVar:

ClinVar aggregate classification (germline): Uncertain significance. Review status: criteria provided, multiple submitters, no conflicts (2 of 4 stars). 3 submissions from 3 submitters: Uncertain significance (3). Last evaluated 2025-09-01.

Conditions:
Congenital contractural arachnodactyly (CCA). Also called: Beals-Hecht syndrome; BEALS SYNDROME; Arthrogryposis, distal, type 9. Identifiers: Orphanet 115, MedGen C0220668, MONDO:0007363, OMIM 121050.

gnomAD v4.1: 1 of 1,614,062 alleles (0.000062%); highest among the groups gnomAD compares: Non-Finnish European, 0.000085%; no homozygotes.

Submissions (3):

CeGaT Center for Human Genetics Tuebingen
Classification: Uncertain significance. Last evaluated: 2025-09-01. Review status: criteria provided, single submitter. Criteria: CeGaT Center For Human Genetics Tuebingen Variant Classification Criteria Version 2. Collection method: clinical testing. Allele origin: germline. Affected: yes. Observed: 1 variant allele.
Comment: FBN2: PM2

Labcorp Genetics (formerly Invitae), Labcorp
Classification: Uncertain significance for Congenital contractural arachnodactyly. Last evaluated: 2024-11-06. Review status: criteria provided, single submitter. Criteria: Invitae Variant Classification Sherloc (09022015). Collection method: clinical testing. Allele origin: germline.
Comment: This sequence change replaces arginine, which is basic and polar, with leucine, which is neutral and non-polar, at codon 2402 of the FBN2 protein (p.Arg2402Leu). This variant is present in population databases (rs148014419, gnomAD 0.0009%). This variant has not been reported in the literature in individuals affected with FBN2-related conditions. ClinVar contains an entry for this variant (Variation ID: 1315494). Invitae Evidence Modeling of protein sequence and biophysical properties (such as structural, functional, and spatial information, amino acid conservation, physicochemical variation, residue mobility, and thermodynamic stability) indicates that this missense variant is not expected to disrupt FBN2 protein function with a negative predictive value of 80%. In summary, the available evidence is currently insufficient to determine the role of this variant in disease. Therefore, it has been classified as a Variant of Uncertain Significance.

GeneDx
Classification: Uncertain significance. Last evaluated: 2020-01-20. Review status: criteria provided, single submitter. Criteria: GeneDx Variant Classification Process June 2021. Collection method: clinical testing. Allele origin: germline. Affected: yes.
Comment: Has not been previously published as pathogenic or benign to our knowledge; Not observed at a significant frequency in large population cohorts (Lek et al., 2016); In silico analysis, which includes protein predictors and evolutionary conservation, supports a deleterious effect

NM_001999.4(FBN2):c.7205G>T (p.Arg2402Leu)

Gene: FBN2 (fibrillin 2; minus strand). Cytogenetic location: 5q23.3.
Variant type: single nucleotide variant.
Coding change: c.7205G>T on transcript NM_001999.4 (MANE Select); coding-DNA position 7205, G replaced by T.
Protein change: p.Arg2402Leu; replaces arginine 2402 with leucine.
Molecular consequence: missense variant.
Genome position (GRCh38, 1-based): chr5:128,278,775, C>A on the plus strand (G>T on the coding strand, the complement: FBN2 is on the minus strand). VCF-style: chr5-128278775-C-A. GRCh37 (hg19) VCF-style: chr5-127614467-C-A.
Other names: short protein forms R2402L.
Identifiers: ClinVar variation 1315494 (VCV001315494.11), dbSNP rs148014419, ClinGen allele CA3394179.